The following is an entry in ClinVar:

NM_001083961.2(WDR62):c.561+290T>C

Gene: WDR62 (WD repeat domain 62; plus strand). Cytogenetic location: 19q13.12.
Variant type: single nucleotide variant.
Coding change: c.561+290T>C on transcript NM_001083961.2 (MANE Select); 290 bases into the intron after coding-DNA position 561, T replaced by C.
Molecular consequence: intron variant.
Genome position (GRCh38, 1-based): chr19:36,066,717, T>C. VCF-style: chr19-36066717-T-C. GRCh37 (hg19) VCF-style: chr19-36557619-T-C.
Other names: c.561+290T>C (NM_173636.5).
Identifiers: ClinVar variation 668982 (VCV000668982.1), dbSNP rs75843773, ClinGen allele CA15958681.

ClinVar aggregate classification (germline): Likely benign (1 of 4 stars; one submission).

Allele frequency attached by ClinVar (database versions not stated): gnomAD 0.04240 and 0.05013; TOPMed 0.04815; 1000 Genomes Project 30x 0.10728; 1000 Genomes Project 0.11382.
gnomAD v4.1: 7,619 of 152,282 alleles (5%); highest among the groups gnomAD compares: East Asian, 22%; 411 homozygotes.

Submission:

GeneDx
Classification: Likely benign. Last evaluated: 2018-06-14. Review status: criteria provided, single submitter. Criteria: GeneDx Variant Classification (06012015). Collection method: clinical testing. Allele origin: germline. Affected: yes.
Comment: This variant is considered likely benign or benign based on one or more of the following criteria: it is a conservative change, it occurs at a poorly conserved position in the protein, it is predicted to be benign by multiple in silico algorithms, and/or has population frequency not consistent with disease.